The following is an entry in ClinVar:

NM_006648.4(WNK2):c.4202C>G (p.Pro1401Arg)

Gene: WNK2 (WNK lysine deficient protein kinase 2; plus strand). Cytogenetic location: 9q22.31.
Variant type: single nucleotide variant.
Coding change: c.4202C>G on transcript NM_006648.4 (MANE Select); coding-DNA position 4202, C replaced by G.
Protein change: p.Pro1401Arg; replaces proline 1401 with arginine.
Molecular consequence: missense variant.
Genome position (GRCh38, 1-based): chr9:93,288,956, C>G. VCF-style: chr9-93288956-C-G. GRCh37 (hg19) VCF-style: chr9-96051238-C-G.
Other names: c.4313C>G, p.Pro1438Arg (NM_001282394.3); short protein forms P1438R, P1401R.
Identifiers: ClinVar variation 3470470 (VCV003470470.1).

ClinVar aggregate classification (germline): Uncertain significance (1 of 4 stars; one submission).

Submission:

Ambry Genetics
Classification: Uncertain significance. Last evaluated: 2024-11-27. Review status: criteria provided, single submitter. Criteria: Ambry Variant Classification Scheme 2023. Collection method: clinical testing. Allele origin: germline.
Comment: The p.P1401R variant (also known as c.4202C>G), located in coding exon 19 of the WNK2 gene, results from a C to G substitution at nucleotide position 4202. The proline at codon 1401 is replaced by arginine, an amino acid with dissimilar properties. This amino acid position is conserved. In addition, this alteration is predicted to be tolerated by in silico analysis. Based on the available evidence, the clinical significance of this variant remains unclear.